The following is an entry in ClinVar:

NM_001080467.3(MYO5B):c.382A>G (p.Ser128Gly)

Gene: MYO5B (myosin VB; minus strand). Cytogenetic location: 18q21.1.
Variant type: single nucleotide variant.
Coding change: c.382A>G on transcript NM_001080467.3 (MANE Select); coding-DNA position 382, A replaced by G.
Protein change: p.Ser128Gly; replaces serine 128 with glycine.
Molecular consequence: missense variant.
Genome position (GRCh38, 1-based): chr18:50,036,923, T>C on the plus strand (A>G on the coding strand, the complement: MYO5B is on the minus strand). VCF-style: chr18-50036923-T-C. GRCh37 (hg19) VCF-style: chr18-47563293-T-C.
Other names: short protein forms S128G.
Identifiers: ClinVar variation 2986590 (VCV002986590.3), dbSNP rs774511689, ClinGen allele CA8961897.

ClinVar aggregate classification (germline): Uncertain significance (1 of 4 stars; one submission).

Allele frequency attached by ClinVar (database versions not stated): ExAC 0.00002.
gnomAD v4.1: 7 of 1,614,156 alleles (0.00043%); highest among the groups gnomAD compares: Non-Finnish European, 0.00059%; no homozygotes.

Submission:

Labcorp Genetics (formerly Invitae), Labcorp
Classification: Uncertain significance. Last evaluated: 2025-04-20. Review status: criteria provided, single submitter. Criteria: Invitae Variant Classification Sherloc (09022015). Collection method: clinical testing. Allele origin: germline.
Comment: This sequence change replaces serine, which is neutral and polar, with glycine, which is neutral and non-polar, at codon 128 of the MYO5B protein (p.Ser128Gly). This variant is present in population databases (rs774511689, gnomAD 0.003%). This variant has not been reported in the literature in individuals affected with MYO5B-related conditions. ClinVar contains an entry for this variant (Variation ID: 2986590). Invitae Evidence Modeling of protein sequence and biophysical properties (such as structural, functional, and spatial information, amino acid conservation, physicochemical variation, residue mobility, and thermodynamic stability) indicates that this missense variant is expected to disrupt MYO5B protein function with a positive predictive value of 80%. In summary, the available evidence is currently insufficient to determine the role of this variant in disease. Therefore, it has been classified as a Variant of Uncertain Significance.